The following is an entry in ClinVar:

NM_000143.4(FH):c.555G>T (p.Gln185His)

Gene: FH (fumarate hydratase; minus strand). Cytogenetic location: 1q43.
Variant type: single nucleotide variant.
Coding change: c.555G>T on transcript NM_000143.4 (MANE Select); coding-DNA position 555, G replaced by T.
Protein change: p.Gln185His; replaces glutamine 185 with histidine.
Molecular consequence: missense variant.
Genome position (GRCh38, 1-based): chr1:241,511,967, C>A on the plus strand (G>T on the coding strand, the complement: FH is on the minus strand). VCF-style: chr1-241511967-C-A. GRCh37 (hg19) VCF-style: chr1-241675267-C-A.
Other names: short protein forms Q185H.
Identifiers: ClinVar variation 937829 (VCV000937829.9), dbSNP rs1660094798, ClinGen allele CA345439815.

ClinVar aggregate classification (germline): Conflicting classifications of pathogenicity. Review status: criteria provided, conflicting classifications (1 of 4 stars). 2 submissions from 2 submitters: Likely pathogenic (1); Uncertain significance (1). Last evaluated 2025-04-16.

Conditions:
Hereditary cancer-predisposing syndrome. Also called: Hereditary neoplastic syndrome; Neoplastic Syndromes, Hereditary; Hereditary Cancer Syndrome; Tumor predisposition. Identifiers: Orphanet 140162, MedGen C0027672, MeSH D009386, MONDO:0015356.

Submissions (3):

Ambry Genetics
Classification: Likely pathogenic for Hereditary cancer-predisposing syndrome. Last evaluated: 2025-04-16. Review status: criteria provided, single submitter. Criteria: Ambry Variant Classification Scheme 2023. Collection method: clinical testing. Allele origin: germline.
Comment: The c.555G>T variant (also known as p.Q185H), located in coding exon 4 of the FH gene, results from a G to T substitution at nucleotide position 555. The amino acid change results in glutamine to histidine at codon 185, an amino acid with highly similar properties. However, this change occurs in the last base pair of coding exon 4, which makes it likely to have some effect on normal mRNA splicing. This variant is considered to be rare based on population cohorts in the Genome Aggregation Database (gnomAD). This nucleotide position is highly conserved in available vertebrate species. This amino acid position is highly conserved in available vertebrate species. In silico splice site analysis predicts that this alteration may weaken the native splice donor site and may result in the creation or strengthening of a novel splice donor site. RNA studies have demonstrated that this alteration does not result in abnormal splicing in the set of samples tested (Ambry internal data). In addition, as a missense, this alteration is predicted to be deleterious by in silico analysis. Based on the majority of available evidence to date, this variant is likely to be pathogenic.

Labcorp Genetics (formerly Invitae), Labcorp
Classification: Uncertain significance. Last evaluated: 2019-06-09. Review status: criteria provided, single submitter. Criteria: Invitae Variant Classification Sherloc (09022015). Collection method: clinical testing. Allele origin: germline.
Comment: This sequence change replaces glutamine with histidine at codon 185 of the FH protein (p.Gln185His). The glutamine residue is highly conserved and there is a small physicochemical difference between glutamine and histidine. This variant also falls at the last nucleotide of exon 4 of the FH coding sequence, which is part of the consensus splice site for this exon. This variant is not present in population databases (ExAC no frequency). This variant has not been reported in the literature in individuals with FH-related conditions. Algorithms developed to predict the effect of missense changes on protein structure and function are either unavailable or do not agree on the potential impact of this missense change (SIFT: "Deleterious"; PolyPhen-2: "Probably Damaging"; Align-GVGD: "Class C15"). Nucleotide substitutions within the consensus splice site are a relatively common cause of aberrant splicing (PMID: 17576681, 9536098). Algorithms developed to predict the effect of sequence changes on RNA splicing suggest that this variant may disrupt the consensus splice site, but this prediction has not been confirmed by published transcriptional studies. This variant disrupts the p.Gln185 amino acid residue in FH. Other variant(s) that disrupt this residue have been determined to be pathogenic (PMID: 11865300, 28300276, 16237213, 21445611). This suggests that this residue is clinically significant, and that variants that disrupt this residue are likely to be disease-causing. In summary, the available evidence is currently insufficient to determine the role of this variant in disease. Therefore, it has been classified as a Variant of Uncertain Significance.

Blake Wilde Laboratory, Roswell Park Comprehensive Cancer Center
No classification provided (evidence only). Condition: Hereditary leiomyomatosis and renal cell cancer. Review status: no classification provided. Collection method: in vitro. Allele origin: not applicable. Functional consequence: decreased enzyme activity. Not counted in ClinVar's aggregate classification.

Literature cited by the submitters: PubMed 17576681 (cited by Labcorp Genetics (formerly Invitae), Labcorp); PubMed 9536098 (cited by Labcorp Genetics (formerly Invitae), Labcorp); PubMed 11865300 (cited by Labcorp Genetics (formerly Invitae), Labcorp); PubMed 28300276 (cited by Labcorp Genetics (formerly Invitae), Labcorp); PubMed 16237213 (cited by Labcorp Genetics (formerly Invitae), Labcorp); PubMed 21445611 (cited by Labcorp Genetics (formerly Invitae), Labcorp).